The following is an entry in ClinVar:

ClinVar aggregate classification (germline): Uncertain significance (1 of 4 stars; one submission).

Submission:

Ambry Genetics
Classification: Uncertain significance. Last evaluated: 2023-04-27. Review status: criteria provided, single submitter. Criteria: Ambry Variant Classification Scheme 2023. Collection method: clinical testing. Allele origin: germline.
Comment: The p.A804T variant (also known as c.2410G>A), located in coding exon 20 of the BUB1 gene, results from a G to A substitution at nucleotide position 2410. The alanine at codon 804 is replaced by threonine, an amino acid with similar properties. This amino acid position is conserved. In addition, this alteration is predicted to be tolerated by in silico analysis. Since supporting evidence is limited at this time, the clinical significance of this alteration remains unclear.

NM_004336.5(BUB1):c.2410G>A (p.Ala804Thr)

Gene: BUB1 (BUB1 mitotic checkpoint serine/threonine kinase; minus strand). Cytogenetic location: 2q13.
Variant type: single nucleotide variant.
Coding change: c.2410G>A on transcript NM_004336.5 (MANE Select); coding-DNA position 2410, G replaced by A.
Protein change: p.Ala804Thr; replaces alanine 804 with threonine.
Molecular consequence: missense variant.
Genome position (GRCh38, 1-based): chr2:110,642,172, C>T on the plus strand (G>A on the coding strand, the complement: BUB1 is on the minus strand). VCF-style: chr2-110642172-C-T. GRCh37 (hg19) VCF-style: chr2-111399749-C-T.
Other names: c.2350G>A, p.Ala784Thr (NM_001278616.2); c.2410G>A, p.Ala804Thr (NM_001278617.2); short protein forms A804T, A784T.
Identifiers: ClinVar variation 2565799 (VCV002565799.2), dbSNP rs2467973483, ClinGen allele CA348090943.